The following is an entry in ClinVar:

ClinVar aggregate classification (germline): Uncertain significance (1 of 4 stars; one submission).

Conditions:
KBG syndrome (KBGS). Also called: ANKRD11-Related KBG Syndrome. Identifiers: Orphanet 2332, MedGen C0220687, MONDO:0007846, OMIM 148050.

Submission:

Labcorp Genetics (formerly Invitae), Labcorp
Classification: Uncertain significance for KBG syndrome. Last evaluated: 2025-12-18. Review status: criteria provided, single submitter. Criteria: Invitae Variant Classification Sherloc (09022015). Collection method: clinical testing. Allele origin: germline.
Comment: This variant, c.5490_5492dup, results in the insertion of 1 amino acid(s) of the ANKRD11 protein (p.Glu1830dup), but otherwise preserves the integrity of the reading frame. This variant is present in population databases (rs768500822, gnomAD 0.05%), and has an allele count higher than expected for a pathogenic variant. This variant has not been reported in the literature in individuals affected with ANKRD11-related conditions. ClinVar contains an entry for this variant (Variation ID: 2718494). Experimental studies and prediction algorithms are not available or were not evaluated, and the functional significance of this variant is currently unknown. In summary, the available evidence is currently insufficient to determine the role of this variant in disease. Therefore, it has been classified as a Variant of Uncertain Significance.

NM_013275.6(ANKRD11):c.5490_5492dup (p.Glu1830_Asp1831insGlu)

Gene: ANKRD11 (ankyrin repeat domain 11; minus strand). Cytogenetic location: 16q24.3.
Variant type: Duplication.
Coding change: c.5490_5492dup on transcript NM_013275.6 (MANE Select); coding-DNA positions 5490 to 5492, 3 bases duplicated (AGA; older notation c.5490_5492dupAGA).
Protein change: p.Glu1830_Asp1831insGlu.
Molecular consequence: inframe insertion.
Genome position (GRCh38, 1-based): chr16:89,281,050-89,281,052, TCT duplicated on the plus strand (AGA on the coding strand, the reverse complement: ANKRD11 is on the minus strand); duplicating any 3 consecutive bases within chr16:89,281,050-89,281,054 gives the same sequence; the c. name uses the placement nearest the transcript's 3' end. VCF-style (leftmost placement, unchanged base first): chr16-89281049-G-GTCT. GRCh37 (hg19) VCF-style: chr16-89347457-G-GTCT.
Other names: c.5490_5492dup, p.Glu1830_Asp1831insGlu (NM_001256182.2, NM_001256183.2).
Identifiers: ClinVar variation 2718494 (VCV002718494.3), dbSNP rs768500822, ClinGen allele CA8241822.